The following is an entry in ClinVar:

NM_001166108.2(PALLD):c.1965-12772T>A

Gene: PALLD (palladin, cytoskeletal associated protein; plus strand). Cytogenetic location: 4q32.3.
Variant type: single nucleotide variant.
Coding change: c.1965-12772T>A on transcript NM_001166108.2 (MANE Select); 12772 bases into the intron before coding-DNA position 1965, T replaced by A.
Molecular consequence: intron variant. On other transcripts: missense variant (1).
Genome position (GRCh38, 1-based): chr4:168,878,150, T>A. VCF-style: chr4-168878150-T-A. GRCh37 (hg19) VCF-style: chr4-169799301-T-A.
Other names: c.259T>A, p.Ser87Thr (NM_001166110.2); c.1965-12772T>A (NM_016081.4); c.819-12772T>A (NM_001166109.2); c.-157-12772T>A (NM_001367570.1, NM_001367568.1, NM_001367567.1 and 1 more transcripts); short protein forms S87T.
Identifiers: ClinVar variation 3413706 (VCV003413706.1).
Genomic context (GRCh38, chr4:168,878,150, plus strand): 5'-CCGCCCTTCGCGCAGCCCTTCGGCGCTGAGCCCGAGGCCCCGTGGGGCTCCTCCTCGCCG[T>A]CGCCCCCGCCCCCGCCACCCCCGGTCTTCAGCCCCACGGCTGCCTTCCCGGTGCCCGACG-3'

ClinVar aggregate classification (germline): Uncertain significance (1 of 4 stars; one submission).

Submission:

Ambry Genetics
Classification: Uncertain significance. Last evaluated: 2024-11-26. Review status: criteria provided, single submitter. Criteria: Ambry Variant Classification Scheme 2023. Collection method: clinical testing. Allele origin: germline.
Comment: The p.S87T variant (also known as c.259T>A), located in coding exon 1 of the PALLD gene, results from a T to A substitution at nucleotide position 259. The serine at codon 87 is replaced by threonine, an amino acid with similar properties. This amino acid position is conserved. In addition, this alteration is predicted to be tolerated by in silico analysis. Based on the available evidence, the clinical significance of this variant remains unclear.